The following is an entry in ClinVar:

ClinVar aggregate classification (germline): Uncertain significance (1 of 4 stars; one submission).

Conditions:
Ehlers-Danlos syndrome, classic type, 1 (EDSCL1). Also called: EHLERS-DANLOS SYNDROME, GRAVIS TYPE; EHLERS-DANLOS SYNDROME, SEVERE CLASSIC TYPE; Ehlers-Danlos syndrome, type 1; Ehlers-Danlos Syndrome, Classic Type, COL5A1-Related; EDS I. Identifiers: MedGen C0268335, MONDO:0019567, OMIM 130000.

Submission:

Labcorp Genetics (formerly Invitae), Labcorp
Classification: Uncertain significance for Ehlers-Danlos syndrome, classic type, 1. Last evaluated: 2024-12-17. Review status: criteria provided, single submitter. Criteria: Invitae Variant Classification Sherloc (09022015). Collection method: clinical testing. Allele origin: germline.
Comment: This sequence change replaces valine, which is neutral and non-polar, with isoleucine, which is neutral and non-polar, at codon 3 of the COL5A1 protein (p.Val3Ile). This variant is not present in population databases (gnomAD no frequency). This variant has not been reported in the literature in individuals affected with COL5A1-related conditions. Invitae Evidence Modeling of protein sequence and biophysical properties (such as structural, functional, and spatial information, amino acid conservation, physicochemical variation, residue mobility, and thermodynamic stability) indicates that this missense variant is not expected to disrupt COL5A1 protein function with a negative predictive value of 95%. In summary, the available evidence is currently insufficient to determine the role of this variant in disease. Therefore, it has been classified as a Variant of Uncertain Significance.

NM_000093.5(COL5A1):c.7G>A (p.Val3Ile)

Gene: COL5A1 (collagen type V alpha 1 chain; plus strand). Cytogenetic location: 9q34.3.
Variant type: single nucleotide variant.
Coding change: c.7G>A on transcript NM_000093.5 (MANE Select); coding-DNA position 7, G replaced by A.
Protein change: p.Val3Ile; replaces valine 3 with isoleucine.
Molecular consequence: missense variant.
Genome position (GRCh38, 1-based): chr9:134,642,194, G>A. VCF-style: chr9-134642194-G-A. GRCh37 (hg19) VCF-style: chr9-137534040-G-A.
Other names: c.7G>A, p.Val3Ile (NM_001278074.1); short protein forms V3I.
Identifiers: ClinVar variation 3689910 (VCV003689910.2).